The following is an entry in ClinVar:

ClinVar aggregate classification (germline): Uncertain significance (1 of 4 stars; one submission).

Conditions:
Hypogonadotropic hypogonadism 1 with or without anosmia (HH1). Also called: Kallmann syndrome, type 1, X-linked; DYSPLASIA OLFACTOGENITALIS OF DE MORSIER; HYPOGONADOTROPIC HYPOGONADISM 1 WITH ANOSMIA; KAL1-Related GnRH Deficiency (Kallmann Syndrome 1; Kallmann Syndrome, X-Linked); Hypogonadotropic hypogonadism 1 with or without anosmia (Kallmann syndrome 1); HYPOGONADOTROPIC HYPOGONADISM AND ANOSMIA. Identifiers: Orphanet 478, MedGen C1563719, MONDO:0010635, OMIM 308700. Disease mechanism: loss of function.

Submission:

Labcorp Genetics (formerly Invitae), Labcorp
Classification: Uncertain significance for Hypogonadotropic hypogonadism 1 with or without anosmia. Last evaluated: 2025-12-21. Review status: criteria provided, single submitter. Criteria: Invitae Variant Classification Sherloc (09022015). Collection method: clinical testing. Allele origin: germline.
Comment: This sequence change replaces cysteine, which is neutral and slightly polar, with tyrosine, which is neutral and polar, at codon 151 of the ANOS1 protein (p.Cys151Tyr). This variant is not present in population databases (gnomAD no frequency). This missense change has been observed in individual(s) with Kallman syndrome (internal data). Invitae Evidence Modeling of protein sequence and biophysical properties (such as structural, functional, and spatial information, amino acid conservation, physicochemical variation, residue mobility, and thermodynamic stability) indicates that this missense variant is expected to disrupt ANOS1 protein function with a positive predictive value of 80%. This variant disrupts the p.Cys151 amino acid residue in ANOS1. Other variant(s) that disrupt this residue have been observed in individuals with ANOS1-related conditions (PMID: 28780519), which suggests that this may be a clinically significant amino acid residue. In summary, the available evidence is currently insufficient to determine the role of this variant in disease. Therefore, it has been classified as a Variant of Uncertain Significance.

Literature cited by the submitters: PubMed 28780519.

NM_000216.4(ANOS1):c.452G>A (p.Cys151Tyr)

Gene: ANOS1 (anosmin 1; minus strand). Cytogenetic location: Xp22.31.
Variant type: single nucleotide variant.
Coding change: c.452G>A on transcript NM_000216.4 (MANE Select); coding-DNA position 452, G replaced by A.
Protein change: p.Cys151Tyr; replaces cysteine 151 with tyrosine.
Molecular consequence: missense variant.
Genome position (GRCh38, 1-based): chrX:8,597,123, C>T on the plus strand (G>A on the coding strand, the complement: ANOS1 is on the minus strand). VCF-style: chrX-8597123-C-T. GRCh37 (hg19) VCF-style: chrX-8565164-C-T.
Other names: c.452G>A, p.Cys151Tyr (NM_001440775.1); short protein forms C151Y.
Identifiers: ClinVar variation 4742950 (VCV004742950.1).